The following is an entry in ClinVar:

NM_000214.3(JAG1):c.1236T>A (p.Asp412Glu)

Gene: JAG1 (jagged canonical Notch ligand 1; minus strand). Cytogenetic location: 20p12.2.
Variant type: single nucleotide variant.
Coding change: c.1236T>A on transcript NM_000214.3 (MANE Select); coding-DNA position 1236, T replaced by A.
Protein change: p.Asp412Glu; replaces aspartic acid 412 with glutamic acid.
Molecular consequence: missense variant.
Genome position (GRCh38, 1-based): chr20:10,649,634, A>T on the plus strand (T>A on the coding strand, the complement: JAG1 is on the minus strand). VCF-style: chr20-10649634-A-T. GRCh37 (hg19) VCF-style: chr20-10630282-A-T.
Other names: short protein forms D412E.
Identifiers: ClinVar variation 1517638 (VCV001517638.8), dbSNP rs1568796947, ClinGen allele CA408238343.

ClinVar aggregate classification (germline): Uncertain significance (1 of 4 stars; one submission).

Conditions:
Alagille syndrome due to a JAG1 point mutation. Also called: JAG1-Related Alagille Syndrome; Alagille Syndrome 1; HEPATIC DUCTULAR HYPOPLASIA, SYNDROMATIC. Identifiers: Orphanet 261619, Orphanet 52, MedGen C1956125, MONDO:0016862, OMIM 118450.

Submission:

Labcorp Genetics (formerly Invitae), Labcorp
Classification: Uncertain significance for Alagille syndrome due to a JAG1 point mutation. Last evaluated: 2025-01-27. Review status: criteria provided, single submitter. Criteria: Invitae Variant Classification Sherloc (09022015). Collection method: clinical testing. Allele origin: germline.
Comment: This sequence change replaces aspartic acid, which is acidic and polar, with glutamic acid, which is acidic and polar, at codon 412 of the JAG1 protein (p.Asp412Glu). This variant is not present in population databases (gnomAD no frequency). This variant has not been reported in the literature in individuals affected with JAG1-related conditions. ClinVar contains an entry for this variant (Variation ID: 1517638). An algorithm developed to predict the effect of missense changes on protein structure and function (PolyPhen-2) suggests that this variant is likely to be disruptive. Algorithms developed to predict the effect of sequence changes on RNA splicing suggest that this variant may create or strengthen a splice site. In summary, the available evidence is currently insufficient to determine the role of this variant in disease. Therefore, it has been classified as a Variant of Uncertain Significance.